The following is an entry in ClinVar:

NM_007294.4(BRCA1):c.3748G>A (p.Glu1250Lys)

Genes: BRCA1 (BRCA1 DNA repair associated; minus strand), LOC126862571 (BRD4-independent group 4 enhancer GRCh37_chr17:41243136-41244335; plus strand). Cytogenetic location: 17q21.31.
Variant type: single nucleotide variant.
Coding change: c.3748G>A on transcript NM_007294.4 (MANE Select); coding-DNA position 3748, G replaced by A.
Protein change: p.Glu1250Lys; replaces glutamic acid 1250 with lysine.
Molecular consequence: missense variant. On other transcripts: intron variant (135).
Genome position (GRCh38, 1-based): chr17:43,091,783, C>T on the plus strand (G>A on the coding strand, the complement: BRCA1 is on the minus strand). VCF-style: chr17-43091783-C-T. GRCh37 (hg19) VCF-style: chr17-41243800-C-T.
Other names: p.E1250K:GAG>AAG; 3867G>A; NP_009225.1:p.Glu1250Lys; c.3535G>A, p.Glu1179Lys (NM_001407571.1, NM_001407853.1, NM_001407894.1 and 9 more transcripts); c.3748G>A, p.Glu1250Lys (NM_001407581.1, NM_001407582.1, NM_001407583.1 and 30 more transcripts); c.3745G>A, p.Glu1249Lys (NM_001407587.1, NM_001407590.1, NM_001407591.1 and 22 more transcripts); c.3739G>A, p.Glu1247Lys (NM_001407646.1, NM_001407647.1); c.3625G>A, p.Glu1209Lys (NM_001407648.1, NM_001407664.1, NM_001407665.1 and 19 more transcripts); and 44 more; short protein forms E1250K, E1203K, E1122K, E1182K, E1183K, E1208K, E1249K, E1138K.
Identifiers: ClinVar variation 54987 (VCV000054987.79), dbSNP rs28897686, ClinGen allele CA002401.
Genomic context (GRCh38, chr17:43,091,783, plus strand): 5'-AGTCATTTAAGCTATTCTTCAATGATAATAAATTCTCCTCTGTGTTCTTAGACAGACACT[C>T]GGTAGCAACGGTGCTATGCCTAGTAGACTGAGAAGGTATATTGTTTACTTTACCAAATAA-3'
Protein context (NP_009225.1, residues 1240-1260): QSTRHSTVAT[Glu1250Lys]CLSKNTEENL

ClinVar aggregate classification (germline): Benign. Review status: reviewed by expert panel (3 of 4 stars). 36 submissions from 36 submitters: Benign (1). 35 of the submissions do not count toward it. Last evaluated 2015-08-10.

Conditions:
BRCA1-related cancer predisposition. Identifiers: MedGen CN377757, MONDO:0700268.
Hereditary cancer-predisposing syndrome. Also called: Hereditary Cancer Syndrome; Tumor predisposition; Neoplastic Syndromes, Hereditary; Hereditary neoplastic syndrome. Identifiers: Orphanet 140162, MedGen C0027672, MeSH D009386, MONDO:0015356.
Breast and/or ovarian cancer. Identifiers: MedGen CN221562.
Breast neoplasm. Also called: Breast Neoplasms; Neoplasm of the breast; Neoplasm of breast; Breast tumor. Identifiers: MedGen C1458155, MeSH D001943, MONDO:0021100, HP:0100013. Disease mechanism: gain of function.
Hereditary breast ovarian cancer syndrome. Also called: Breast and ovarian cancer; BRCA1- and BRCA2-Associated Hereditary Breast and Ovarian Cancer; Hereditary breast and ovarian cancer; Hereditary breast and ovarian cancer syndrome (HBOC); Hereditary breast and ovarian cancer syndrome; Hereditary breast and/or ovarian cancer syndrome. Identifiers: Orphanet 145, MedGen C0677776, MeSH D061325, MONDO:0003582. Disease mechanism: loss of function.
Breast-ovarian cancer, familial, susceptibility to, 1 (BROVCA1). Also called: BRCA1 Hereditary Breast and Ovarian Cancer; OVARIAN CANCER, SUSCEPTIBILITY TO. Identifiers: Orphanet 145, MedGen C2676676, MONDO:0011450, OMIM 604370. Disease mechanism: loss of function.
Malignant tumor of breast. Also called: Malignant breast neoplasm; Cancer breast. Identifiers: MedGen C0006142, MONDO:0007254. Disease mechanism: loss of function.

Allele frequency attached by ClinVar (database versions not stated): TOPMed 0.00014; gnomAD 0.00015 and 0.00017.
gnomAD v4.1: 494 of 1,614,032 alleles (0.031%); highest among the groups gnomAD compares: Non-Finnish European, 0.039%; no homozygotes.

Submissions 1 to 20 of 36:

Evidence-based Network for the Interpretation of Germline Mutant Alleles (ENIGMA)
Classification: Benign for Breast-ovarian cancer, familial 1. Last evaluated: 2015-08-10. Review status: reviewed by expert panel. Criteria: ENIGMA BRCA1/2 Classification Criteria (2015). Collection method: curation. Allele origin: germline.
Comment: IARC class based on posterior probability from multifactorial likelihood analysis, thresholds for class as per Plon et al. 2008 (PMID: 18951446). Class 1 based on posterior probability = 0.000000204

Labcorp Genetics (formerly Invitae), Labcorp
Classification: Benign for Hereditary breast ovarian cancer syndrome. Last evaluated: 2026-02-01. Review status: criteria provided, single submitter. Criteria: Invitae Variant Classification Sherloc (09022015). Collection method: clinical testing. Allele origin: germline. Not counted in ClinVar's aggregate classification.

GeneKor MSA
Classification: Benign for Hereditary breast ovarian cancer syndrome. Last evaluated: 2025-07-10. Review status: criteria provided, single submitter. Criteria: ACMG Guidelines, 2015. Collection method: clinical testing. Allele origin: germline. Not counted in ClinVar's aggregate classification.

Center for Genomic Medicine, Rigshospitalet, Copenhagen University Hospital
Classification: Benign. Last evaluated: 2025-03-04. Review status: criteria provided, single submitter. Criteria: ACMG Guidelines, 2015. Collection method: clinical testing. Allele origin: germline. Not counted in ClinVar's aggregate classification.

CeGaT Center for Human Genetics Tuebingen
Classification: Likely benign. Last evaluated: 2025-03-01. Review status: criteria provided, single submitter. Criteria: CeGaT Center For Human Genetics Tuebingen Variant Classification Criteria Version 2. Collection method: clinical testing. Allele origin: germline. Affected: yes. Observed: 1 variant allele. Not counted in ClinVar's aggregate classification.
Comment: BRCA1: BP4, BS3:Supporting, BS2

Laboratory of Genetics, Children's Clinical University Hospital Latvia
Classification: Benign. Last evaluated: 2025-02-16. Review status: criteria provided, single submitter. Criteria: ACMG Guidelines, 2015. Collection method: clinical testing. Allele origin: germline. Affected: yes. Not counted in ClinVar's aggregate classification.

All of Us Research Program, National Institutes of Health
Classification: Likely benign for BRCA1-related cancer predisposition. Last evaluated: 2024-09-11. Review status: criteria provided, single submitter. Criteria: ACMG Guidelines, 2015. Collection method: clinical testing. Allele origin: germline. Inheritance: Autosomal dominant inheritance. Observed: 65 variant alleles, 65 heterozygotes. Not counted in ClinVar's aggregate classification.
Comment: This study involves interpretation of variants in research participants for the purpose of population health screening. Participant phenotype was not available at the time of variant classification. Additional details can be found in publication PMID: 35346344, PMCID: PMC8962531

Blueprint Genetics
Classification: Likely benign. Last evaluated: 2024-07-10. Review status: criteria provided, single submitter. Criteria: ACMG Guidelines, 2015. Collection method: clinical testing. Allele origin: germline. Not counted in ClinVar's aggregate classification.

Mayo Clinic Laboratories, Mayo Clinic
Classification: Benign. Last evaluated: 2023-09-12. Review status: criteria provided, single submitter. Criteria: ACMG Guidelines, 2015. Collection method: clinical testing. Allele origin: germline. Observed: 4 variant alleles. Not counted in ClinVar's aggregate classification.
Comment: BS1, BS3, BS4

CHEO Genetics Diagnostic Laboratory, Children's Hospital of Eastern Ontario
Classification: Likely benign for Breast and/or ovarian cancer. Last evaluated: 2022-11-08. Review status: criteria provided, single submitter. Criteria: ACMG Guidelines, 2015. Collection method: clinical testing. Allele origin: germline. Not counted in ClinVar's aggregate classification.

National Health Laboratory Service, Universitas Academic Hospital and University of the Free State
Classification: Benign for Hereditary breast ovarian cancer syndrome. Last evaluated: 2022-04-19. Review status: criteria provided, single submitter. Criteria: ACMG Guidelines, 2015. Collection method: clinical testing. Allele origin: germline. Affected: yes. Observed: 7 variant alleles. Not counted in ClinVar's aggregate classification.

Institute for Clinical Genetics, University Hospital TU Dresden, University Hospital TU Dresden
Classification: Benign. Last evaluated: 2021-11-03. Review status: criteria provided, single submitter. Criteria: ACMG Guidelines, 2015. Collection method: clinical testing. Allele origin: germline. Not counted in ClinVar's aggregate classification.

Genetic Services Laboratory, University of Chicago
Classification: Likely benign. Last evaluated: 2021-02-24. Review status: criteria provided, single submitter. Criteria: ACMG Guidelines, 2015. Collection method: clinical testing. Allele origin: germline. Affected: no. Not counted in ClinVar's aggregate classification.

Sema4
Classification: Benign for Hereditary cancer-predisposing syndrome. Last evaluated: 2020-10-13. Review status: criteria provided, single submitter. Criteria: Sema4 Curation Guidelines. Collection method: curation. Allele origin: germline. Not counted in ClinVar's aggregate classification.

ARUP Laboratories, Molecular Genetics and Genomics, ARUP Laboratories
Classification: Benign. Last evaluated: 2020-03-05. Review status: criteria provided, single submitter. Criteria: ARUP Molecular Germline Variant Investigation Process. Collection method: clinical testing. Allele origin: germline. Not counted in ClinVar's aggregate classification.

Mendelics
Classification: Likely benign for Breast-ovarian cancer, familial, susceptibility to, 1. Last evaluated: 2019-05-28. Review status: criteria provided, single submitter. Criteria: Mendelics Assertion Criteria 2017. Collection method: clinical testing. Allele origin: unknown. Not counted in ClinVar's aggregate classification.

Illumina Laboratory Services, Illumina
Classification: Likely benign for Breast-ovarian cancer, familial, susceptibility to, 1. Last evaluated: 2018-08-09. Review status: criteria provided, single submitter. Criteria: ICSL Variant Classification Criteria 13 December 2019. Collection method: clinical testing. Allele origin: germline. Not counted in ClinVar's aggregate classification.
Comment: This variant was observed as part of a predisposition screen in an ostensibly healthy population. A literature search was performed for the gene, cDNA change, and amino acid change (where applicable). Publications were found based on this search. The evidence from the literature, in combination with allele frequency data from public databases where available, was sufficient to determine this variant is unlikely to cause disease. Therefore, this variant is classified as likely benign.

PreventionGenetics, part of Exact Sciences
Classification: Benign. Last evaluated: 2017-11-20. Review status: criteria provided, single submitter. Criteria: ACMG Guidelines, 2015. Collection method: clinical testing. Allele origin: germline. Not counted in ClinVar's aggregate classification.

Institute for Biomarker Research, Medical Diagnostic Laboratories, L.L.C.
Classification: Likely benign for Hereditary cancer-predisposing syndrome. Last evaluated: 2017-07-12. Review status: criteria provided, single submitter. Criteria: ACMG Guidelines, 2015. Collection method: clinical testing. Allele origin: germline. Not counted in ClinVar's aggregate classification.

Clinical Genetics DNA and cytogenetics Diagnostics Lab, Erasmus MC, Erasmus Medical Center
Classification: Benign for Breast-ovarian cancer, familial, susceptibility to, 1. Last evaluated: 2017-03-17. Review status: criteria provided, single submitter. Criteria: ACGS Guidelines, 2013. Collection method: clinical testing. Allele origin: germline. Affected: yes. Study: VKGL Data-share Consensus. Not counted in ClinVar's aggregate classification.